The following is an entry in ClinVar:

ClinVar aggregate classification (germline): Uncertain significance (1 of 4 stars; one submission).

Submission:

Women's Health and Genetics/Laboratory Corporation of America, LabCorp
Classification: Uncertain significance. Last evaluated: 2025-09-05. Review status: criteria provided, single submitter. Criteria: LabCorp Variant Classification Summary - May 2015. Collection method: clinical testing. Allele origin: germline.
Comment: Variant summary: RPE65 c.149T>C (p.Phe50Ser) results in a non-conservative amino acid change in the encoded protein sequence. Algorithms developed to predict the effect of missense changes on protein structure and function all suggest that this variant is likely to be disruptive. The variant was absent in 251472 control chromosomes. c.149T>C has been observed in a homozygous individual affected with Leber congenital amaurosis (Zhong_2019). These data indicate that the variant may be associated with disease. To our knowledge, no experimental evidence demonstrating an impact on protein function has been reported. The following publication have been ascertained in the context of this evaluation (PMID: 30996589, 34830511). No submitters have cited clinical-significance assessments for this variant to ClinVar. Based on the evidence outlined above, the variant was classified as VUS-possibly pathogenic.

Literature cited by the submitters: PubMed 30996589; PubMed 34830511.

NM_000329.3(RPE65):c.149T>C (p.Phe50Ser)

Gene: RPE65 (retinoid isomerohydrolase RPE65; minus strand). Cytogenetic location: 1p31.3.
Variant type: single nucleotide variant.
Coding change: c.149T>C on transcript NM_000329.3 (MANE Select); coding-DNA position 149, T replaced by C.
Protein change: p.Phe50Ser; replaces phenylalanine 50 with serine.
Molecular consequence: missense variant. On other transcripts: 5 prime UTR variant (1), intron variant (1).
Genome position (GRCh38, 1-based): chr1:68,446,806, A>G on the plus strand (T>C on the coding strand, the complement: RPE65 is on the minus strand). VCF-style: chr1-68446806-A-G. GRCh37 (hg19) VCF-style: chr1-68912489-A-G.
Other names: c.-128T>C (NM_001406857.1); c.149T>C, p.Phe50Ser (NM_001406859.1, NM_001406860.1, NM_001406853.1); c.-32+1818T>C (NM_001406856.1); short protein forms F50S.
Identifiers: ClinVar variation 4535713 (VCV004535713.1).